The following is an entry in ClinVar:

ClinVar aggregate classification (germline): Likely benign. Review status: criteria provided, multiple submitters, no conflicts (2 of 4 stars). 2 submissions from 2 submitters: Likely benign (2). Last evaluated 2024-10-25.

Conditions:
Early-infantile DEE. Also called: Ohtahara syndrome; Early infantile epileptic encephalopathy; Early infantile epileptic encephalopathy with suppression bursts. Identifiers: Orphanet 1934, MedGen C0393706, MONDO:0800491.

gnomAD v4.1: 1 of 1,614,220 alleles (0.000062%); highest among the groups gnomAD compares: Admixed American, 0.0017%; no homozygotes.

Submissions (2):

Labcorp Genetics (formerly Invitae), Labcorp
Classification: Likely benign for Early-infantile DEE. Last evaluated: 2024-10-25. Review status: criteria provided, single submitter. Criteria: Invitae Variant Classification Sherloc (09022015). Collection method: clinical testing. Allele origin: germline.

GeneDx
Classification: Likely benign. Last evaluated: 2016-12-27. Review status: criteria provided, single submitter. Criteria: GeneDx Variant Classification (06012015). Collection method: clinical testing. Allele origin: germline. Affected: yes.
Comment: This variant is considered likely benign or benign based on one or more of the following criteria: it is a conservative change, it occurs at a poorly conserved position in the protein, it is predicted to be benign by multiple in silico algorithms, and/or has population frequency not consistent with disease.

NM_001130438.3(SPTAN1):c.5304C>T (p.Ser1768=)

Gene: SPTAN1 (spectrin alpha, non-erythrocytic 1; plus strand). Cytogenetic location: 9q34.11.
Variant type: single nucleotide variant.
Coding change: c.5304C>T on transcript NM_001130438.3 (MANE Select); coding-DNA position 5304, C replaced by T.
Protein change: p.Ser1768=; no amino-acid change (serine 1768 retained).
Molecular consequence: synonymous variant.
Genome position (GRCh38, 1-based): chr9:128,615,787, C>T. VCF-style: chr9-128615787-C-T. GRCh37 (hg19) VCF-style: chr9-131378066-C-T.
Other names: c.5229C>T, p.Ser1743= (NM_001195532.2); c.5304C>T, p.Ser1768= (NM_001363759.2); c.5244C>T, p.Ser1748= (NM_001363765.2); c.5289C>T, p.Ser1763= (NM_003127.4).
Identifiers: ClinVar variation 392046 (VCV000392046.10), dbSNP rs1057524335, ClinGen allele CA16605614.